The following is an entry in ClinVar:

ClinVar aggregate classification (germline): Likely benign. Review status: criteria provided, multiple submitters, no conflicts (2 of 4 stars). 3 submissions from 3 submitters: Likely benign (3). Last evaluated 2026-01-14.

Conditions:
Cardiovascular phenotype. Identifiers: MedGen CN230736.
Long QT syndrome (LQTS). Identifiers: MedGen C0023976, MeSH D008133, MONDO:0002442. Disease mechanism: loss of function. Inheritance: Various modes of inheritance.

Allele frequency attached by ClinVar (database versions not stated): gnomAD 0.00001; TOPMed 0.00001; gnomAD exomes 0.00002; ExAC 0.00003.
gnomAD v4.1: 10 of 1,611,716 alleles (0.00062%); highest among the groups gnomAD compares: South Asian, 0.0066%; no homozygotes.

Submissions (3):

Labcorp Genetics (formerly Invitae), Labcorp
Classification: Likely benign for Long QT syndrome. Last evaluated: 2026-01-14. Review status: criteria provided, single submitter. Criteria: Invitae Variant Classification Sherloc (09022015). Collection method: clinical testing. Allele origin: germline.

CeGaT Center for Human Genetics Tuebingen
Classification: Likely benign. Last evaluated: 2024-10-01. Review status: criteria provided, single submitter. Criteria: CeGaT Center For Human Genetics Tuebingen Variant Classification Criteria Version 2. Collection method: clinical testing. Allele origin: germline. Affected: yes. Observed: 1 variant allele.
Comment: CACNA1C: BP4, BP7

Ambry Genetics
Classification: Likely benign for Cardiovascular phenotype. Last evaluated: 2019-10-29. Review status: criteria provided, single submitter. Criteria: Ambry Variant Classification Scheme 2023. Collection method: clinical testing. Allele origin: germline.

NM_000719.7(CACNA1C):c.4215C>T (p.Ala1405=)

Gene: CACNA1C (calcium voltage-gated channel subunit alpha1 C; plus strand). Cytogenetic location: 12p13.33.
Variant type: single nucleotide variant.
Coding change: c.4215C>T on transcript NM_000719.7 (MANE Select); coding-DNA position 4215, C replaced by T.
Protein change: p.Ala1405=; no amino-acid change (alanine 1405 retained).
Molecular consequence: synonymous variant.
Genome position (GRCh38, 1-based): chr12:2,655,221, C>T. VCF-style: chr12-2655221-C-T. GRCh37 (hg19) VCF-style: chr12-2764387-C-T.
Other names: c.4182C>T, p.Ala1394= (NM_001167625.2, NM_001129837.2, NM_001129838.2 and 1 more transcripts); c.4359C>T, p.Ala1453= (NM_199460.4, NM_001129827.2); c.4215C>T, p.Ala1405= (NM_001167624.3, NM_001129830.3, NM_001129833.2 and 7 more transcripts); c.4281C>T, p.Ala1427= (NM_001129829.2); c.4299C>T, p.Ala1433= (NM_001129831.2); c.4275C>T, p.Ala1425= (NM_001129832.2); c.4266C>T, p.Ala1422= (NM_001129836.2); c.4176C>T, p.Ala1392= (NM_001129839.2); and 1 more.
Identifiers: ClinVar variation 1115882 (VCV001115882.25), dbSNP rs768068080, ClinGen allele CA6389505.
Genomic context (GRCh38, chr12:2,655,221, plus strand): 5'-TGCCCTGAATGATACCACAGAGATCAACCGGAACAACAACTTTCAGACCTTCCCCCAGGC[C>T]GTGCTGCTCCTCTTCAGGTGGGTCCCTGAAGACATAGGTGCACAGATACACACACACCTG-3'
Protein context (NP_000710.5, residues 1395-1415): RNNNFQTFPQ[Ala1405=]VLLLFRCATG